The following is an entry in ClinVar:

ClinVar aggregate classification (germline): Likely pathogenic. Review status: criteria provided, multiple submitters, no conflicts (2 of 4 stars). 3 submissions from 3 submitters: Likely pathogenic (2). 1 of the submissions does not count toward it. Last evaluated 2025-10-28.

Conditions:
Hyperprolinemia type 2 (HYRPRO2). Also called: Delta-1-pyrroline-5-carboxylate dehydrogenase deficiency; 1-PYRROLINE-5-CARBOXYLATE DEHYDROGENASE DEFICIENCY; Deficiency of pyrroline-5-carboxylate reductase. Identifiers: Orphanet 79101, MedGen C2931835, MONDO:0009401, OMIM 239510.

Allele frequency attached by ClinVar (database versions not stated): gnomAD 0.00007; gnomAD exomes 0.00009 and 0.00001; TOPMed 0.00008.

Submissions (3):

GeneDx
Classification: Likely pathogenic. Last evaluated: 2025-10-28. Review status: criteria provided, single submitter. Criteria: GeneDx Variant Classification Process June 2021. Collection method: clinical testing. Allele origin: germline. Affected: yes.
Comment: Frameshift variant predicted to result in protein truncation or nonsense mediated decay in a gene for which loss of function is a known mechanism of disease; This variant is associated with the following publications: (PMID: 10971205, 9700195)

Illumina Laboratory Services, Illumina
Classification: Likely pathogenic for Hyperprolinemia type 2. Last evaluated: 2018-12-18. Review status: criteria provided, single submitter. Criteria: ICSL Variant Classification Criteria 09 May 2019. Collection method: clinical testing. Allele origin: germline.
Comment: The ALDH4A1 c.21delG (p.Leu8SerfsTer23) variant results in a frameshift and is predicted to cause a truncation of the protein. The p.Leu8SerfsTer23 variant has been reported in one study in which it is found in a total of two individuals with hyperprolinemia including in one in a homozygous state and in one in a compound heterozygous state with a second missense variant (Geraghty et al. 1998). Control data are unavailable for this variant, which is reported at a frequency of 0.000058 in the European (non-Finnish) population of the Genome Aggregation Database. Based on the evidence and the potential impact of frameshift variants, the p.Leu8SerfsTer23 variant is classified as likely pathogenic for hyperprolinemia. This variant was observed by ICSL as part of a predisposition screen in an ostensibly healthy population.

OMIM
Classification: Pathogenic for HYPERPROLINEMIA, TYPE II. Last evaluated: 1998-09-01. Review status: no assertion criteria provided. Collection method: literature only. Allele origin: germline. Not counted in ClinVar's aggregate classification.

Literature cited by the submitters: PubMed 9700195 (cited by Illumina Laboratory Services, Illumina and OMIM).

NM_003748.4(ALDH4A1):c.21del (p.Leu8fs)

Genes: ALDH4A1 (aldehyde dehydrogenase 4 family member A1; minus strand), LOC129929550 (ATAC-STARR-seq lymphoblastoid silent region 346; plus strand). Cytogenetic location: 1p36.13.
Variant type: Deletion.
Coding change: c.21del on transcript NM_003748.4 (MANE Select); coding-DNA position 21, one base deleted (G; older notation c.21delG).
Protein change: p.Leu8fs; shifts the reading frame from leucine 8.
Molecular consequence: frameshift variant.
Genome position (GRCh38, 1-based): chr1:18,902,503, C deleted on the plus strand (G on the coding strand, the reverse complement: ALDH4A1 is on the minus strand). VCF-style (leftmost placement, unchanged base first): chr1-18902502-GC-G. GRCh37 (hg19) VCF-style: chr1-19228996-GC-G.
Other names: c.21del, p.Leu8fs (NM_001319218.2, NM_170726.3); c.21del (NM_003748.3); short protein forms L8fs.
Identifiers: ClinVar variation 4004 (VCV000004004.11), dbSNP rs387906314, ClinGen allele CA116569.